The following is an entry in ClinVar:

NM_000038.6(APC):c.-19+3861T>C

Gene: APC (APC regulator of WNT signaling pathway; plus strand). Cytogenetic location: 5q22.2.
Variant type: single nucleotide variant.
Coding change: c.-19+3861T>C on transcript NM_000038.6 (MANE Select); 3861 bases into the intron after 19 bases upstream of the start codon, T replaced by C.
Molecular consequence: intron variant.
Genome position (GRCh38, 1-based): chr5:112,741,786, T>C. VCF-style: chr5-112741786-T-C. GRCh37 (hg19) VCF-style: chr5-112077483-T-C.
Other names: c.-18-13087T>C (NM_001354895.2); c.166-24540T>C (NM_001354897.2, NM_001354902.2, NM_001127511.3); c.-19+3326T>C (NM_001127510.3); c.60+3326T>C (NM_001354898.2, NM_001354904.2); c.-1054+3861T>C (NM_001354906.2); c.-19+3861T>C (NM_001354896.2, NM_001354903.2, NM_001354899.2); c.-43+3861T>C (NM_001354900.2, NM_001354901.2, NM_001354905.2).
Identifiers: ClinVar variation 82757 (VCV000082757.2), dbSNP rs75455838, ClinGen allele CA006449.

ClinVar aggregate classification (germline): other (0 of 4 stars; one submission).

Conditions:
Familial colorectal cancer. Identifiers: MedGen CN280943, MONDO:0023113. Disease mechanism: loss of function.

Submission:

Systems Biology Platform Zhejiang California International NanoSystems Institute
Classification: other for Familial colorectal cancer. Review status: no assertion criteria provided. Collection method: not provided. Allele origin: unknown.
ClinVar note: Converted during submission from cancer to other.